The following is an entry in ClinVar:

NM_032638.5(GATA2):c.1079G>T (p.Trp360Leu)

Gene: GATA2 (GATA binding protein 2; minus strand). Cytogenetic location: 3q21.3.
Variant type: single nucleotide variant.
Coding change: c.1079G>T on transcript NM_032638.5 (MANE Select); coding-DNA position 1079, G replaced by T.
Protein change: p.Trp360Leu; replaces tryptophan 360 with leucine.
Molecular consequence: missense variant.
Genome position (GRCh38, 1-based): chr3:128,481,883, C>A on the plus strand (G>T on the coding strand, the complement: GATA2 is on the minus strand). VCF-style: chr3-128481883-C-A. GRCh37 (hg19) VCF-style: chr3-128200726-C-A.
Other names: c.1079G>T, p.Trp360Leu (NM_001145661.2); c.1037G>T, p.Trp346Leu (NM_001145662.1); short protein forms W346L, W360L.
Identifiers: ClinVar variation 1184248 (VCV001184248.1), dbSNP rs2107668679, ClinGen allele CA354413585.

ClinVar aggregate classification (germline): Likely pathogenic (1 of 4 stars; one submission).

Conditions:
Deafness-lymphedema-leukemia syndrome. Also called: Emberger syndrome; Lymphedema, primary, with myelodysplasia. Identifiers: Orphanet 3226, MedGen C3279664, MONDO:0013540, OMIM 614038.
GATA2 deficiency with susceptibility to MDS/AML. Identifiers: MedGen CN300066, MONDO:0042982.

Submission:

Molecular Pathology Research Laboratory, SA Pathology
Classification: Likely pathogenic for GATA2 deficiency with susceptibility to MDS/AML; Deafness-lymphedema-leukemia syndrome. Last evaluated: 2021-07-06. Review status: criteria provided, single submitter. Criteria: ACMG Guidelines, 2015. Collection method: curation. Allele origin: germline. Inheritance: Autosomal dominant inheritance. Affected: yes. Observed: 1 variant allele.
Comment: PS4_Supporting, PM1, PM2, PM5, PP3

Literature cited by the submitters: PubMed 29146883.